The following is an entry in ClinVar:

ClinVar aggregate classification (germline): Uncertain significance (1 of 4 stars; one submission).

Submission:

Labcorp Genetics (formerly Invitae), Labcorp
Classification: Uncertain significance. Last evaluated: 2023-12-22. Review status: criteria provided, single submitter. Criteria: Invitae Variant Classification Sherloc (09022015). Collection method: clinical testing. Allele origin: germline.
Comment: This sequence change replaces glycine, which is neutral and non-polar, with alanine, which is neutral and non-polar, at codon 118 of the CAD protein (p.Gly118Ala). This variant is not present in population databases (gnomAD no frequency). This variant has not been reported in the literature in individuals affected with CAD-related conditions. ClinVar contains an entry for this variant (Variation ID: 2016571). An algorithm developed to predict the effect of missense changes on protein structure and function (PolyPhen-2) suggests that this variant is likely to be disruptive. Algorithms developed to predict the effect of sequence changes on RNA splicing suggest that this variant may create or strengthen a splice site. In summary, the available evidence is currently insufficient to determine the role of this variant in disease. Therefore, it has been classified as a Variant of Uncertain Significance.

NM_004341.5(CAD):c.353G>C (p.Gly118Ala)

Gene: CAD (carbamoyl-phosphate synthetase 2, aspartate transcarbamylase, and dihydroorotase; plus strand). Cytogenetic location: 2p23.3.
Variant type: single nucleotide variant.
Coding change: c.353G>C on transcript NM_004341.5 (MANE Select); coding-DNA position 353, G replaced by C.
Protein change: p.Gly118Ala; replaces glycine 118 with alanine.
Molecular consequence: missense variant.
Genome position (GRCh38, 1-based): chr2:27,222,194, G>C. VCF-style: chr2-27222194-G-C. GRCh37 (hg19) VCF-style: chr2-27445062-G-C.
Other names: c.353G>C, p.Gly118Ala (NM_001306079.2); short protein forms G118A.
Identifiers: ClinVar variation 2016571 (VCV002016571.4), dbSNP rs1375113087, ClinGen allele CA346198582.